The following is an entry in ClinVar:

NM_001064.4(TKT):c.1383C>G (p.Ala461=)

Genes: TKT (transketolase; minus strand), LOC126806684 (CDK7 strongly-dependent group 2 enhancer GRCh37_chr3:53261945-53263144; plus strand). Cytogenetic location: 3p21.1.
Variant type: single nucleotide variant.
Coding change: c.1383C>G on transcript NM_001064.4 (MANE Select); coding-DNA position 1383, C replaced by G.
Protein change: p.Ala461=; no amino-acid change (alanine 461 retained).
Molecular consequence: synonymous variant. On other transcripts: non-coding transcript variant (1).
Genome position (GRCh38, 1-based): chr3:53,229,019, G>C on the plus strand (C>G on the coding strand, the complement: TKT is on the minus strand). VCF-style: chr3-53229019-G-C. GRCh37 (hg19) VCF-style: chr3-53263035-G-C.
Other names: c.1383C>G, p.Ala461= (NM_001135055.3); c.1407C>G, p.Ala469= (NM_001258028.2).
Identifiers: ClinVar variation 725159 (VCV000725159.7), dbSNP rs377506783, ClinGen allele CA2452543.

ClinVar aggregate classification (germline): Likely benign. Review status: criteria provided, multiple submitters, no conflicts (2 of 4 stars). 2 submissions from 2 submitters: Likely benign (2). Last evaluated 2026-03-01.

Allele frequency attached by ClinVar (database versions not stated): ESP Exome Variant Server 0.00008.
gnomAD v4.1: 81 of 1,613,990 alleles (0.005%); highest among the groups gnomAD compares: Non-Finnish European, 0.0067%; no homozygotes.

Submissions (2):

CeGaT Center for Human Genetics Tuebingen
Classification: Likely benign. Last evaluated: 2026-03-01. Review status: criteria provided, single submitter. Criteria: CeGaT Center For Human Genetics Tuebingen Variant Classification Criteria Version 2. Collection method: clinical testing. Allele origin: germline. Affected: yes. Observed: 1 variant allele.
Comment: TKT: BP4, BP7

Labcorp Genetics (formerly Invitae), Labcorp
Classification: Likely benign. Last evaluated: 2017-11-18. Review status: criteria provided, single submitter. Criteria: Invitae Variant Classification Sherloc (09022015). Collection method: clinical testing. Allele origin: germline.